The following is an entry in ClinVar:

NM_002528.7(NTHL1):c.410A>G (p.Gln137Arg)

Gene: NTHL1 (nth like DNA glycosylase 1; minus strand). Cytogenetic location: 16p13.3.
Variant type: single nucleotide variant.
Coding change: c.410A>G on transcript NM_002528.7 (MANE Select); coding-DNA position 410, A replaced by G.
Protein change: p.Gln137Arg; replaces glutamine 137 with arginine.
Molecular consequence: missense variant. On other transcripts: intron variant (1).
Genome position (GRCh38, 1-based): chr16:2,044,745, T>C on the plus strand (A>G on the coding strand, the complement: NTHL1 is on the minus strand). VCF-style: chr16-2044745-T-C. GRCh37 (hg19) VCF-style: chr16-2094746-T-C.
Other names: c.80A>G, p.Gln27Arg (NM_001318194.2); c.355-1019A>G (NM_001318193.2); short protein forms Q27R, Q137R.
Identifiers: ClinVar variation 1739911 (VCV001739911.2), dbSNP rs2084318917, ClinGen allele CA394294492.
Genomic context (GRCh38, chr16:2,044,745, plus strand): 5'-AGGATGCTGTCCACCGTCAGGCCCCGCGCCCGCAGTCGCTGCATGGCGCCCGCCGTCACC[T>C]GGTCTTTGGTTTGGCTGGAGAGCATCAGTGACAGCAGCACCTGGTACCTGCGTACCTGCT-3'
Protein context (NP_002519.2, residues 127-147): SLMLSSQTKD[Gln137Arg]VTAGAMQRLR

ClinVar aggregate classification (germline): Uncertain significance (1 of 4 stars; one submission).

Conditions:
Hereditary cancer-predisposing syndrome. Also called: Hereditary Cancer Syndrome; Hereditary neoplastic syndrome; Neoplastic Syndromes, Hereditary; Tumor predisposition. Identifiers: Orphanet 140162, MedGen C0027672, MeSH D009386, MONDO:0015356.

Submission:

Ambry Genetics
Classification: Uncertain significance for Hereditary cancer-predisposing syndrome. Last evaluated: 2021-05-05. Review status: criteria provided, single submitter. Criteria: Ambry Variant Classification Scheme 2023. Collection method: clinical testing. Allele origin: germline.
Comment: The p.Q145R variant (also known as c.434A>G), located in coding exon 3 of the NTHL1 gene, results from an A to G substitution at nucleotide position 434. The glutamine at codon 145 is replaced by arginine, an amino acid with highly similar properties. This amino acid position is highly conserved in available vertebrate species. In addition, this alteration is predicted to be deleterious by in silico analysis. Since supporting evidence is limited at this time, the clinical significance of this alteration remains unclear.